The following is an entry in ClinVar:

ClinVar aggregate classification (germline): Uncertain significance (1 of 4 stars; one submission).

Submission:

Mayo Clinic Laboratories, Mayo Clinic
Classification: Uncertain significance. Last evaluated: 2025-01-08. Review status: criteria provided, single submitter. Criteria: ACMG Guidelines, 2015. Collection method: clinical testing. Allele origin: germline. Observed: 2 variant alleles.
Comment: PP3_strong, PM2_supporting

NM_001355436.2(SPTB):c.611A>T (p.Asp204Val)

Gene: SPTB (spectrin beta, erythrocytic; minus strand). Cytogenetic location: 14q23.3.
Variant type: single nucleotide variant.
Coding change: c.611A>T on transcript NM_001355436.2 (MANE Select); coding-DNA position 611, A replaced by T.
Protein change: p.Asp204Val; replaces aspartic acid 204 with valine.
Molecular consequence: missense variant.
Genome position (GRCh38, 1-based): chr14:64,801,790, T>A on the plus strand (A>T on the coding strand, the complement: SPTB is on the minus strand). VCF-style: chr14-64801790-T-A. GRCh37 (hg19) VCF-style: chr14-65268508-T-A.
Other names: p.Asp204Val; c.611A>T, p.Asp204Val (NM_001024858.4, NM_001355437.2); short protein forms D204V.
Identifiers: ClinVar variation 3380210 (VCV003380210.2).